The following is an entry in ClinVar:

NM_014423.4(AFF4):c.2315A>C (p.Asp772Ala)

Gene: AFF4 (ALF transcription elongation factor 4; minus strand). Cytogenetic location: 5q31.1.
Variant type: single nucleotide variant.
Coding change: c.2315A>C on transcript NM_014423.4 (MANE Select); coding-DNA position 2315, A replaced by C.
Protein change: p.Asp772Ala; replaces aspartic acid 772 with alanine.
Molecular consequence: missense variant.
Genome position (GRCh38, 1-based): chr5:132,893,111, T>G on the plus strand (A>C on the coding strand, the complement: AFF4 is on the minus strand). VCF-style: chr5-132893111-T-G. GRCh37 (hg19) VCF-style: chr5-132228803-T-G.
Other names: short protein forms D772A.
Identifiers: ClinVar variation 4992079 (VCV004992079.1).

ClinVar aggregate classification (germline): Uncertain significance (1 of 4 stars; one submission).

Conditions:
AFF4-related disorder. Also called: AFF4-related condition.

Submission:

PreventionGenetics, part of Exact Sciences
Classification: Uncertain significance for AFF4-related condition. Last evaluated: 2026-06-16. Review status: criteria provided, single submitter. Criteria: ACMG Guidelines, 2015. Collection method: clinical testing. Allele origin: germline.
Comment: The AFF4 c.2315A>C variant is predicted to result in the amino acid substitution p.Asp772Ala. To our knowledge, this variant has not been reported in the literature or in a large population database (gnomAD), indicating this variant is rare. At this time, the clinical significance of this variant is uncertain due to the absence of conclusive functional and genetic evidence.